The following is an entry in ClinVar:

ClinVar aggregate classification (germline): Uncertain significance (1 of 4 stars; one submission).

Conditions:
Inborn genetic diseases. Identifiers: MedGen C0950123, MeSH D030342.

Submission:

Ambry Genetics
Classification: Uncertain significance for Inborn genetic diseases. Last evaluated: 2021-07-04. Review status: criteria provided, single submitter. Criteria: Ambry Variant Classification Scheme 2023. Collection method: clinical testing. Allele origin: germline.
Comment: The p.V715G variant (also known as c.2144T>G), located in coding exon 19 of the FIG4 gene, results from a T to G substitution at nucleotide position 2144. The valine at codon 715 is replaced by glycine, an amino acid with dissimilar properties. This amino acid position is conserved. In addition, this alteration is predicted to be deleterious by in silico analysis. Since supporting evidence is limited at this time, the clinical significance of this alteration remains unclear.

NM_014845.6(FIG4):c.2144T>G (p.Val715Gly)

Gene: FIG4 (FIG4 phosphoinositide 5-phosphatase; plus strand). Cytogenetic location: 6q21.
Variant type: single nucleotide variant.
Coding change: c.2144T>G on transcript NM_014845.6 (MANE Select); coding-DNA position 2144, T replaced by G.
Protein change: p.Val715Gly; replaces valine 715 with glycine.
Molecular consequence: missense variant.
Genome position (GRCh38, 1-based): chr6:109,789,641, T>G. VCF-style: chr6-109789641-T-G. GRCh37 (hg19) VCF-style: chr6-110110844-T-G.
Other names: short protein forms V715G.
Identifiers: ClinVar variation 1786637 (VCV001786637.2), dbSNP rs2486227818, ClinGen allele CA365232270.
Genomic context (GRCh38, chr6:109,789,641, plus strand): 5'-CACCTTTCTTTAGTGACTTTATGCCTAAGACCGTTGGAATTGATCCAAGTCCATTTACTG[T>G]GCGTAAACCAGATGAAACTGGAAAATCAGTATTGGGGTAAGATTTGTGTATAGAACGAAA-3'
Protein context (NP_055660.1, residues 705-725): TVGIDPSPFT[Val715Gly]RKPDETGKSV